The following is an entry in ClinVar:

ClinVar aggregate classification (germline): Benign (1 of 4 stars; one submission).

Submission:

GeneDx
Classification: Benign. Last evaluated: 2013-10-23. Review status: criteria provided, single submitter. Criteria: GeneDx Variant Classification (06012015). Collection method: clinical testing. Allele origin: germline. Affected: yes.
Comment: This variant is considered likely benign or benign based on one or more of the following criteria: it is a conservative change, it occurs at a poorly conserved position in the protein, it is predicted to be benign by multiple in silico algorithms, and/or has population frequency not consistent with disease.

NM_004006.2(DMD):c.-96261C>T

Gene: DMD (dystrophin; minus strand). Cytogenetic location: Xp21.1.
Variant type: single nucleotide variant.
Coding change: c.-96261C>T on transcript NM_004006.2; 96261 bases upstream of the start codon, C replaced by T.
Molecular consequence: intron variant (on NM_000109.4).
Genome position (GRCh38, 1-based): chrX:33,307,573, G>A on the plus strand (C>T on the coding strand, the complement: DMD is on the minus strand). VCF-style: chrX-33307573-G-A. GRCh37 (hg19) VCF-style: chrX-33325690-G-A.
Other names: c.7+31686C>T (NM_000109.4).
Identifiers: ClinVar variation 137110 (VCV000137110.3), dbSNP rs587780919, ClinGen allele CA290630.